The following is an entry in ClinVar:

NM_001042545.2(LTBP4):c.2765G>C (p.Arg922Pro)

Gene: LTBP4 (latent transforming growth factor beta binding protein 4; plus strand). Cytogenetic location: 19q13.2.
Variant type: single nucleotide variant.
Coding change: c.2765G>C on transcript NM_001042545.2 (MANE Select); coding-DNA position 2765, G replaced by C.
Protein change: p.Arg922Pro; replaces arginine 922 with proline.
Molecular consequence: missense variant.
Genome position (GRCh38, 1-based): chr19:40,614,399, G>C. VCF-style: chr19-40614399-G-C. GRCh37 (hg19) VCF-style: chr19-41120305-G-C.
Other names: c.2966G>C, p.Arg989Pro (NM_001042544.1); c.2855G>C, p.Arg952Pro (NM_003573.2); short protein forms R922P, R952P, R989P.
Identifiers: ClinVar variation 1518614 (VCV001518614.6), dbSNP rs199508547, ClinGen allele CA9448788.

ClinVar aggregate classification (germline): Uncertain significance. Review status: criteria provided, multiple submitters, no conflicts (2 of 4 stars). 2 submissions from 2 submitters: Uncertain significance (2). Last evaluated 2025-07-08.

Conditions:
Inborn genetic diseases. Identifiers: MedGen C0950123, MeSH D030342.

Allele frequency attached by ClinVar (database versions not stated): gnomAD exomes 0.00004; ExAC 0.00005; 1000 Genomes Project 30x 0.00016; 1000 Genomes Project 0.00020; ESP Exome Variant Server 0.00033.
gnomAD v4.1: 29 of 1,600,106 alleles (0.0018%); highest among the groups gnomAD compares: African/African-American, 0.035%; no homozygotes.

Submissions (2):

Labcorp Genetics (formerly Invitae), Labcorp
Classification: Uncertain significance. Last evaluated: 2025-07-08. Review status: criteria provided, single submitter. Criteria: Invitae Variant Classification Sherloc (09022015). Collection method: clinical testing. Allele origin: germline.
Comment: This sequence change replaces arginine, which is basic and polar, with proline, which is neutral and non-polar, at codon 952 of the LTBP4 protein (p.Arg952Pro). This variant is present in population databases (rs199508547, gnomAD 0.04%). This variant has not been reported in the literature in individuals affected with LTBP4-related conditions. ClinVar contains an entry for this variant (Variation ID: 1518614). Experimental studies and prediction algorithms are not available or were not evaluated, and the functional significance of this variant is currently unknown. In summary, the available evidence is currently insufficient to determine the role of this variant in disease. Therefore, it has been classified as a Variant of Uncertain Significance.

Ambry Genetics
Classification: Uncertain significance for Inborn genetic diseases. Last evaluated: 2024-10-28. Review status: criteria provided, single submitter. Criteria: Ambry Variant Classification Scheme 2023. Collection method: clinical testing. Allele origin: germline.